The following is an entry in ClinVar:

ClinVar aggregate classification (germline): Pathogenic. Review status: criteria provided, single submitter (1 of 4 stars). 2 submissions from 2 submitters: Pathogenic (1). 1 of the submissions does not count toward it. Last evaluated 2015-12-17.

Conditions:
Cholestasis, progressive familial intrahepatic, 5 (PFIC5). Identifiers: Orphanet 480476, MedGen C4310747, MONDO:0014884, OMIM 617049.
Progressive familial intrahepatic cholestasis type 1. Also called: BYLER DISEASE; Severe ATP8B1 Deficiency (Progressive Familial Intrahepatic Cholestasis Type 1 [PFIC1]); Byler's disease. Identifiers: Orphanet 79306, MedGen C4551898, MONDO:0008892, OMIM 211600.

Submissions (2):

Baylor Genetics
Classification: Pathogenic for Progressive familial intrahepatic cholestasis. Last evaluated: 2015-12-17. Review status: criteria provided, single submitter. Criteria: Submitter's publication. Collection method: clinical testing. Allele origin: paternal. Inheritance: Autosomal recessive inheritance. Affected: yes. Observed: 1 variant allele, 1 compound heterozygote.
Comment: This variant was found in compound heterozygous status with another pathogenic insertion variant in two affected members of a Caucasian family

OMIM
Classification: Pathogenic for CHOLESTASIS, PROGRESSIVE FAMILIAL INTRAHEPATIC, 5. Last evaluated: 2016-07-27. Review status: no assertion criteria provided. Collection method: literature only. Allele origin: germline. Not counted in ClinVar's aggregate classification.

Literature cited by the submitters: PubMed 26888176 (cited by OMIM).

NG_029843.1:g.23704_55438del

Gene: NR1H4 (nuclear receptor subfamily 1 group H member 4; plus strand). Cytogenetic location: 12q23.1.
Variant type: Deletion.
Other names: 31.7-KB DEL.
Identifiers: ClinVar variation 219163 (VCV000219163.3).